The following is an entry in ClinVar:

ClinVar aggregate classification (germline): Uncertain significance (1 of 4 stars; one submission).

Submission:

GeneDx
Classification: Uncertain significance. Last evaluated: 2023-01-07. Review status: criteria provided, single submitter. Criteria: GeneDx Variant Classification Process June 2021. Collection method: clinical testing. Allele origin: germline. Affected: yes.
Comment: Not observed at significant frequency in large population cohorts (gnomAD); In silico analysis supports that this missense variant does not alter protein structure/function; Has not been previously published as pathogenic or benign to our knowledge

NM_022552.5(DNMT3A):c.1759G>T (p.Gly587Trp)

Gene: DNMT3A (DNA methyltransferase 3 alpha; minus strand). Cytogenetic location: 2p23.3.
Variant type: single nucleotide variant.
Coding change: c.1759G>T on transcript NM_022552.5 (MANE Select); coding-DNA position 1759, G replaced by T.
Protein change: p.Gly587Trp; replaces glycine 587 with tryptophan.
Molecular consequence: missense variant. On other transcripts: non-coding transcript variant (1).
Genome position (GRCh38, 1-based): chr2:25,244,247, C>A on the plus strand (G>T on the coding strand, the complement: DNMT3A is on the minus strand). VCF-style: chr2-25244247-C-A. GRCh37 (hg19) VCF-style: chr2-25467116-C-A.
Other names: c.1303G>T, p.Gly435Trp (NM_001320893.1); c.1090G>T, p.Gly364Trp (NM_001375819.1); c.1192G>T, p.Gly398Trp (NM_153759.3); c.1759G>T, p.Gly587Trp (NM_175629.2); short protein forms G364W, G398W, G435W, G587W.
Identifiers: ClinVar variation 2571809 (VCV002571809.1), dbSNP rs1674443394, ClinGen allele CA346071837.